The following is an entry in ClinVar:

ClinVar aggregate classification (germline): Uncertain significance (1 of 4 stars; one submission).

Conditions:
RYR1-related disorder. Also called: RYR1-related condition; RYR1-related disorders. Identifiers: MedGen CN239331.

Submission:

Labcorp Genetics (formerly Invitae), Labcorp
Classification: Uncertain significance for RYR1-related disorder. Last evaluated: 2023-03-01. Review status: criteria provided, single submitter. Criteria: Invitae Variant Classification Sherloc (09022015). Collection method: clinical testing. Allele origin: germline.
Comment: In summary, the available evidence is currently insufficient to determine the role of this variant in disease. Therefore, it has been classified as a Variant of Uncertain Significance. This variant has not been reported in the literature in individuals affected with RYR1-related conditions. This variant is not present in population databases (gnomAD no frequency). This variant, c.13046_13048dup, results in the insertion of 1 amino acid(s) of the RYR1 protein (p.Gly4349dup), but otherwise preserves the integrity of the reading frame.

NM_000540.3(RYR1):c.13046_13048dup (p.Gly4349_Ala4350insGly)

Gene: RYR1 (ryanodine receptor 1; plus strand). Cytogenetic location: 19q13.2.
Variant type: Duplication.
Coding change: c.13046_13048dup on transcript NM_000540.3 (MANE Select); coding-DNA positions 13046 to 13048, 3 bases duplicated (GGG; older notation c.13046_13048dupGGG).
Protein change: p.Gly4349_Ala4350insGly.
Molecular consequence: inframe insertion.
Genome position (GRCh38, 1-based): chr19:38,565,380-38,565,382, GGG duplicated; duplicating any 3 consecutive bases within chr19:38,565,378-38,565,382 gives the same sequence; the c. name uses the placement nearest the transcript's 3' end. VCF-style (leftmost placement, unchanged base first): chr19-38565377-C-CGGG. GRCh37 (hg19) VCF-style: chr19-39056017-C-CGGG.
Other names: c.13031_13033dup, p.Gly4344_Ala4345insGly (NM_001042723.2).
Identifiers: ClinVar variation 2894085 (VCV002894085.3), dbSNP rs1359827678, ClinGen allele CA2335084843.